The following is an entry in ClinVar:

NM_001035.3(RYR2):c.8767T>G (p.Tyr2923Asp)

Gene: RYR2 (ryanodine receptor 2; plus strand). Cytogenetic location: 1q43.
Variant type: single nucleotide variant.
Coding change: c.8767T>G on transcript NM_001035.3 (MANE Select); coding-DNA position 8767, T replaced by G.
Protein change: p.Tyr2923Asp; replaces tyrosine 2923 with aspartic acid.
Molecular consequence: missense variant.
Genome position (GRCh38, 1-based): chr1:237,674,783, T>G. VCF-style: chr1-237674783-T-G. GRCh37 (hg19) VCF-style: chr1-237838083-T-G.
Other names: short protein forms Y2923D.
Identifiers: ClinVar variation 2776580 (VCV002776580.3), dbSNP rs2547218317, ClinGen allele CA345403303.

ClinVar aggregate classification (germline): Uncertain significance (1 of 4 stars; one submission).

Conditions:
Catecholaminergic polymorphic ventricular tachycardia 1. Also called: VENTRICULAR TACHYCARDIA, STRESS-INDUCED POLYMORPHIC 1; VENTRICULAR TACHYCARDIA, CATECHOLAMINERGIC POLYMORPHIC, 1, WITH OR WITHOUT ATRIAL DYSFUNCTION AND/OR DILATED CARDIOMYOPATHY; RYR2-Related Catecholaminergic Polymorphic Ventricular Tachycardia. Identifiers: Orphanet 3286, MedGen C1631597, MONDO:0011484, OMIM 604772.

Submission:

Labcorp Genetics (formerly Invitae), Labcorp
Classification: Uncertain significance for Catecholaminergic polymorphic ventricular tachycardia 1. Last evaluated: 2023-10-16. Review status: criteria provided, single submitter. Criteria: Invitae Variant Classification Sherloc (09022015). Collection method: clinical testing. Allele origin: germline.
Comment: This sequence change replaces tyrosine, which is neutral and polar, with aspartic acid, which is acidic and polar, at codon 2923 of the RYR2 protein (p.Tyr2923Asp). This variant is not present in population databases (gnomAD no frequency). This variant has not been reported in the literature in individuals affected with RYR2-related conditions. Advanced modeling of protein sequence and biophysical properties (such as structural, functional, and spatial information, amino acid conservation, physicochemical variation, residue mobility, and thermodynamic stability) performed at Invitae indicates that this missense variant is expected to disrupt RYR2 protein function. In summary, the available evidence is currently insufficient to determine the role of this variant in disease. Therefore, it has been classified as a Variant of Uncertain Significance.